The following is an entry in ClinVar:

ClinVar aggregate classification (germline): Uncertain significance (1 of 4 stars; one submission).

Submission:

Labcorp Genetics (formerly Invitae), Labcorp
Classification: Uncertain significance. Last evaluated: 2022-06-26. Review status: criteria provided, single submitter. Criteria: Invitae Variant Classification Sherloc (09022015). Collection method: clinical testing. Allele origin: germline.
Comment: In summary, the available evidence is currently insufficient to determine the role of this variant in disease. Therefore, it has been classified as a Variant of Uncertain Significance. Algorithms developed to predict the effect of missense changes on protein structure and function are either unavailable or do not agree on the potential impact of this missense change (SIFT: "Deleterious"; PolyPhen-2: "Probably Damaging"; Align-GVGD: "Class C0"). This variant has not been reported in the literature in individuals affected with SIX6-related conditions. This variant is not present in population databases (gnomAD no frequency). This sequence change replaces valine, which is neutral and non-polar, with alanine, which is neutral and non-polar, at codon 172 of the SIX6 protein (p.Val172Ala).

NM_007374.3(SIX6):c.515T>C (p.Val172Ala)

Genes: C14orf39 (chromosome 14 open reading frame 39; minus strand), SIX6 (SIX homeobox 6; plus strand). Cytogenetic location: 14q23.1.
Variant type: single nucleotide variant.
Coding change: c.515T>C on transcript NM_007374.3 (MANE Select); coding-DNA position 515, T replaced by C.
Protein change: p.Val172Ala; replaces valine 172 with alanine.
Molecular consequence: missense variant.
Genome position (GRCh38, 1-based): chr14:60,509,913, T>C. VCF-style: chr14-60509913-T-C. GRCh37 (hg19) VCF-style: chr14-60976631-T-C.
Other names: short protein forms V172A.
Identifiers: ClinVar variation 1984759 (VCV001984759.4), dbSNP rs2503606411, ClinGen allele CA390087482.
Genomic context (GRCh38, chr14:60,509,913, plus strand): 5'-ACCCTAACCCCAGCAAAAAACGTGAGCTCGCCCAGGCAACCGGACTGACCCCTACGCAGG[T>C]GGGCAACTGGTTCAAAAACCGCCGACAAAGGGACCGAGCGGCTGCAGCCAAGAACAGGTC-3'
Protein context (NP_031400.2, residues 162-182): AQATGLTPTQ[Val172Ala]GNWFKNRRQR